The following is an entry in ClinVar:

ClinVar aggregate classification (germline): Benign/Likely benign. Review status: criteria provided, multiple submitters, no conflicts (2 of 4 stars). 3 submissions from 3 submitters: Benign (1); Likely benign (2). Last evaluated 2025-11-01.

Conditions:
Hereditary cancer-predisposing syndrome. Also called: Tumor predisposition; Neoplastic Syndromes, Hereditary; Hereditary Cancer Syndrome; Hereditary neoplastic syndrome. Identifiers: Orphanet 140162, MedGen C0027672, MeSH D009386, MONDO:0015356.
Fanconi anemia complementation group J. Also called: BRIP1-Related Fanconi Anemia. Identifiers: Orphanet 84, MedGen C1836860, MONDO:0012187, OMIM 609054.
Familial cancer of breast. Also called: Hereditary breast cancer; BREAST CANCER, FAMILIAL; hereditary breast carcinoma. Identifiers: Orphanet 227535, MedGen C0346153, MONDO:0016419, OMIM 114480. Disease mechanism: loss of function.

Allele frequency attached by ClinVar (database versions not stated): gnomAD exomes below 0.00001 and 0.00001; ExAC 0.00001.
gnomAD v4.1: 2 of 1,599,690 alleles (0.00013%); highest among the groups gnomAD compares: South Asian, 0.0011%; no homozygotes.

Submissions (3):

Labcorp Genetics (formerly Invitae), Labcorp
Classification: Likely benign for Familial cancer of breast; Fanconi anemia complementation group J. Last evaluated: 2025-11-01. Review status: criteria provided, single submitter. Criteria: Invitae Variant Classification Sherloc (09022015). Collection method: clinical testing. Allele origin: germline.

Myriad Genetics, Inc.
Classification: Benign for Familial cancer of breast. Last evaluated: 2024-09-05. Review status: criteria provided, single submitter. Criteria: Myriad Autosomal Dominant, Autosomal Recessive and X-Linked Classification Criteria (2023). Collection method: clinical testing. Allele origin: unknown.
Comment: This variant is considered benign. This variant is a silent/synonymous amino acid change and it is not expected to impact splicing.

Ambry Genetics
Classification: Likely benign for Hereditary cancer-predisposing syndrome. Last evaluated: 2018-06-26. Review status: criteria provided, single submitter. Criteria: Ambry Variant Classification Scheme 2023. Collection method: clinical testing. Allele origin: germline.

NM_032043.3(BRIP1):c.2478C>T (p.Asn826=)

Gene: BRIP1 (BRCA1 interacting DNA helicase 1; minus strand). Cytogenetic location: 17q23.2.
Variant type: single nucleotide variant.
Coding change: c.2478C>T on transcript NM_032043.3 (MANE Select); coding-DNA position 2478, C replaced by T.
Protein change: p.Asn826=; no amino-acid change (asparagine 826 retained).
Molecular consequence: synonymous variant.
Genome position (GRCh38, 1-based): chr17:61,715,965, G>A on the plus strand (C>T on the coding strand, the complement: BRIP1 is on the minus strand). VCF-style: chr17-61715965-G-A. GRCh37 (hg19) VCF-style: chr17-59793326-G-A.
Identifiers: ClinVar variation 414681 (VCV000414681.18), dbSNP rs774939280, ClinGen allele CA8690522.